The following is an entry in ClinVar:

NM_007194.4(CHEK2):c.909-8T>C

Gene: CHEK2 (checkpoint kinase 2; minus strand). Cytogenetic location: 22q12.1.
Variant type: single nucleotide variant.
Coding change: c.909-8T>C on transcript NM_007194.4 (MANE Select); 8 bases into the intron before coding-DNA position 909, T replaced by C.
Molecular consequence: intron variant.
Genome position (GRCh38, 1-based): chr22:28,699,945, A>G on the plus strand (T>C on the coding strand, the complement: CHEK2 is on the minus strand). VCF-style: chr22-28699945-A-G. GRCh37 (hg19) VCF-style: chr22-29095933-A-G.
Other names: c.246-8T>C (NM_001437942.1, NM_001257387.3); c.708-8T>C (NM_001349956.3); c.909-8T>C (NM_145862.3); c.1002-8T>C (NM_001438295.1, NM_001438293.1); c.1038-8T>C (NM_001438294.1, NM_001005735.3).
Identifiers: ClinVar variation 924040 (VCV000924040.17), dbSNP rs1569121935, ClinGen allele CA913189032.

ClinVar aggregate classification (germline): Likely benign. Review status: criteria provided, multiple submitters, no conflicts (2 of 4 stars). 3 submissions from 3 submitters: Likely benign (3). Last evaluated 2025-02-15.

Conditions:
Familial cancer of breast. Also called: BREAST CANCER, FAMILIAL; hereditary breast carcinoma; Hereditary breast cancer. Identifiers: Orphanet 227535, MedGen C0346153, MONDO:0016419, OMIM 114480. Disease mechanism: loss of function.
Hereditary cancer-predisposing syndrome. Also called: Neoplastic Syndromes, Hereditary; Tumor predisposition; Hereditary Cancer Syndrome; Hereditary neoplastic syndrome. Identifiers: Orphanet 140162, MedGen C0027672, MeSH D009386, MONDO:0015356.

Allele frequency attached by ClinVar (database versions not stated): gnomAD exomes below 0.00001.

Submissions (3):

Labcorp Genetics (formerly Invitae), Labcorp
Classification: Likely benign for Familial cancer of breast. Last evaluated: 2025-02-15. Review status: criteria provided, single submitter. Criteria: Invitae Variant Classification Sherloc (09022015). Collection method: clinical testing. Allele origin: germline.

Myriad Genetics, Inc.
Classification: Likely benign for Familial cancer of breast. Last evaluated: 2024-10-04. Review status: criteria provided, single submitter. Criteria: Myriad Autosomal Dominant, Autosomal Recessive and X-Linked Classification Criteria (2023). Collection method: clinical testing. Allele origin: unknown.
Comment: This variant is considered likely benign. This variant is intronic and is not expected to impact mRNA splicing.

Color Diagnostics, LLC DBA Color Health
Classification: Likely benign for Hereditary cancer-predisposing syndrome. Last evaluated: 2022-11-16. Review status: criteria provided, single submitter. Criteria: ACMG Guidelines, 2015. Collection method: clinical testing. Allele origin: germline.